The following is an entry in ClinVar:

NM_000548.5(TSC2):c.4477C>T (p.Pro1493Ser)

Gene: TSC2 (TSC complex subunit 2; plus strand). Cytogenetic location: 16p13.3.
Variant type: single nucleotide variant.
Coding change: c.4477C>T on transcript NM_000548.5 (MANE Select); coding-DNA position 4477, C replaced by T.
Protein change: p.Pro1493Ser; replaces proline 1493 with serine.
Molecular consequence: missense variant.
Genome position (GRCh38, 1-based): chr16:2,084,699, C>T. VCF-style: chr16-2084699-C-T. GRCh37 (hg19) VCF-style: chr16-2134700-C-T.
Other names: c.4168C>T, p.Pro1390Ser (NM_001318827.2); c.4132C>T, p.Pro1378Ser (NM_001318829.2); c.3745C>T, p.Pro1249Ser (NM_001318831.2); c.4309C>T, p.Pro1437Ser (NM_001318832.2); c.4279C>T, p.Pro1427Ser (NM_001363528.2); c.4345C>T, p.Pro1449Ser (NM_001370404.1); c.4348C>T, p.Pro1450Ser (NM_001370405.1, NM_021055.3); c.4276C>T, p.Pro1426Ser (NM_001077183.3); and 2 more; short protein forms P1249S, P1378S, P1390S, P1426S, P1427S, P1437S, P1449S, P1450S.
Identifiers: ClinVar variation 1051769 (VCV001051769.12), dbSNP rs878854108, ClinGen allele CA394302551.

ClinVar aggregate classification (germline): Uncertain significance. Review status: criteria provided, multiple submitters, no conflicts (2 of 4 stars). 3 submissions from 3 submitters: Uncertain significance (3). Last evaluated 2026-04-02.

Conditions:
Tuberous sclerosis 2 (TSC2). Identifiers: Orphanet 805, MedGen C1860707, MONDO:0013199, OMIM 613254.
Hereditary cancer-predisposing syndrome. Also called: Neoplastic Syndromes, Hereditary; Tumor predisposition; Hereditary Cancer Syndrome; Hereditary neoplastic syndrome. Identifiers: Orphanet 140162, MedGen C0027672, MeSH D009386, MONDO:0015356.

Submissions (3):

Dasa
Classification: Uncertain significance for Tuberous sclerosis 2. Last evaluated: 2026-04-02. Review status: criteria provided, single submitter. Criteria: DASA Assertion Criteria. Collection method: clinical testing. Allele origin: germline.
Comment: NM_000548.5(TSC2):c.4477C>T (p.Pro1493Ser) is a missense variant that results in the substitution of proline with serine. This variant is absent from population databases. The currently available literature and clinical evidence are not sufficient to establish a definitive association between this variant and the reported condition. Therefore, this variant is classified as a variant of uncertain significance.

Labcorp Genetics (formerly Invitae), Labcorp
Classification: Uncertain significance for Tuberous sclerosis 2. Last evaluated: 2025-12-26. Review status: criteria provided, single submitter. Criteria: Invitae Variant Classification Sherloc (09022015). Collection method: clinical testing. Allele origin: germline.
Comment: This sequence change replaces proline, which is neutral and non-polar, with serine, which is neutral and polar, at codon 1493 of the TSC2 protein (p.Pro1493Ser). This variant is not present in population databases (gnomAD no frequency). This variant has not been reported in the literature in individuals affected with TSC2-related conditions. ClinVar contains an entry for this variant (Variation ID: 1051769). Invitae Evidence Modeling of protein sequence and biophysical properties (such as structural, functional, and spatial information, amino acid conservation, physicochemical variation, residue mobility, and thermodynamic stability) indicates that this missense variant is not expected to disrupt TSC2 protein function with a negative predictive value of 95%. In summary, the available evidence is currently insufficient to determine the role of this variant in disease. Therefore, it has been classified as a Variant of Uncertain Significance.

Ambry Genetics
Classification: Uncertain significance for Hereditary cancer-predisposing syndrome. Last evaluated: 2025-04-09. Review status: criteria provided, single submitter. Criteria: Ambry Variant Classification Scheme 2023. Collection method: clinical testing. Allele origin: germline.
Comment: The p.P1493S variant (also known as c.4477C>T), located in coding exon 33 of the TSC2 gene, results from a C to T substitution at nucleotide position 4477. The proline at codon 1493 is replaced by serine, an amino acid with similar properties. This amino acid position is conserved. In addition, the in silico prediction for this alteration is inconclusive. Based on the available evidence, the clinical significance of this variant remains unclear.